The following is an entry in ClinVar:

ClinVar aggregate classification (germline): Uncertain significance (1 of 4 stars; one submission).

Allele frequency attached by ClinVar (database versions not stated): TOPMed 0.00001; gnomAD 0.00001.
gnomAD v4.1: 2 of 1,607,654 alleles (0.00012%); highest among the groups gnomAD compares: African/African-American, 0.0027%; no homozygotes.

Submission:

Ambry Genetics
Classification: Uncertain significance. Last evaluated: 2025-10-14. Review status: criteria provided, single submitter. Criteria: Ambry Variant Classification Scheme 2023. Collection method: clinical testing. Allele origin: germline.
Comment: The p.S239C variant (also known as c.716C>G), located in coding exon 8 of the RASA2 gene, results from a C to G substitution at nucleotide position 716. The serine at codon 239 is replaced by cysteine, an amino acid with dissimilar properties. This amino acid position is conserved. In addition, the in silico prediction for this alteration is inconclusive. Since supporting evidence is limited at this time, the clinical significance of this alteration remains unclear.

NM_006506.5(RASA2):c.716C>G (p.Ser239Cys)

Gene: RASA2 (RAS p21 protein activator 2; plus strand). Cytogenetic location: 3q23.
Variant type: single nucleotide variant.
Coding change: c.716C>G on transcript NM_006506.5 (MANE Select); coding-DNA position 716, C replaced by G.
Protein change: p.Ser239Cys; replaces serine 239 with cysteine.
Molecular consequence: missense variant.
Genome position (GRCh38, 1-based): chr3:141,558,917, C>G. VCF-style: chr3-141558917-C-G. GRCh37 (hg19) VCF-style: chr3-141277759-C-G.
Other names: c.716C>G, p.Ser239Cys (NM_001303245.3, NM_001303246.3); short protein forms S239C.
Identifiers: ClinVar variation 3225611 (VCV003225611.2), dbSNP rs1169587141, ClinGen allele CA354772851.